The following is an entry in ClinVar:

ClinVar aggregate classification (germline): Uncertain significance. Review status: criteria provided, multiple submitters, no conflicts (2 of 4 stars). 3 submissions from 3 submitters: Uncertain significance (3). Last evaluated 2025-07-07.

Conditions:
Deficiency of malonyl-CoA decarboxylase. Also called: Malonic aciduria; MCD deficiency. Identifiers: Orphanet 943, MedGen C0342793, MONDO:0009556, OMIM 248360.
Inborn genetic diseases. Identifiers: MedGen C0950123, MeSH D030342.

Allele frequency attached by ClinVar (database versions not stated): ESP Exome Variant Server 0.00008.

Submissions (3):

Labcorp Genetics (formerly Invitae), Labcorp
Classification: Uncertain significance for Deficiency of malonyl-CoA decarboxylase. Last evaluated: 2025-07-07. Review status: criteria provided, single submitter. Criteria: Invitae Variant Classification Sherloc (09022015). Collection method: clinical testing. Allele origin: germline.
Comment: This sequence change replaces alanine, which is neutral and non-polar, with threonine, which is neutral and polar, at codon 415 of the MLYCD protein (p.Ala415Thr). This variant is present in population databases (rs372255821, gnomAD 0.01%). This variant has not been reported in the literature in individuals affected with MLYCD-related conditions. ClinVar contains an entry for this variant (Variation ID: 1410551). An algorithm developed to predict the effect of missense changes on protein structure and function (PolyPhen-2) suggests that this variant is likely to be disruptive. In summary, the available evidence is currently insufficient to determine the role of this variant in disease. Therefore, it has been classified as a Variant of Uncertain Significance.

Ambry Genetics
Classification: Uncertain significance for Inborn genetic diseases. Last evaluated: 2024-01-22. Review status: criteria provided, single submitter. Criteria: Ambry Variant Classification Scheme 2023. Collection method: clinical testing. Allele origin: germline.

Juno Genomics, Hangzhou Juno Genomics, Inc
Classification: Uncertain significance for Deficiency of malonyl-CoA decarboxylase. Review status: criteria provided, single submitter. Criteria: ACMG Guidelines, 2015. Collection method: clinical testing. Allele origin: germline.
Comment: Absent from controls (or at extremely low frequency if recessive) in Genome Aggregation Database.;Multiple lines of computational evidence support a deleterious effect on the gene or gene product.

NM_012213.3(MLYCD):c.1243G>A (p.Ala415Thr)

Gene: MLYCD (malonyl-CoA decarboxylase; plus strand). Cytogenetic location: 16q23.3.
Variant type: single nucleotide variant.
Coding change: c.1243G>A on transcript NM_012213.3 (MANE Select); coding-DNA position 1243, G replaced by A.
Protein change: p.Ala415Thr; replaces alanine 415 with threonine.
Molecular consequence: missense variant.
Genome position (GRCh38, 1-based): chr16:83,915,250, G>A. VCF-style: chr16-83915250-G-A. GRCh37 (hg19) VCF-style: chr16-83948855-G-A.
Other names: c.1243G>A (NM_012213.2); short protein forms A415T.
Identifiers: ClinVar variation 1410551 (VCV001410551.8), dbSNP rs372255821, ClinGen allele CA8197566.
Genomic context (GRCh38, chr16:83,915,250, plus strand): 5'-CAGACTCCGCTGATGAGGCTGTGCGCCTGGTACCTGTATGGAGAGAAGCACCGCGGCTAC[G>A]CGCTGAACCCCGTGGCCAACTTCCACCTGCAGAACGGGGCGGTGCTGTGGCGCATCAACT-3'
Protein context (NP_036345.2, residues 405-425): YLYGEKHRGY[Ala415Thr]LNPVANFHLQ